The following is an entry in ClinVar:

ClinVar aggregate classification (germline): Uncertain significance (1 of 4 stars; one submission).

Conditions:
Pitt-Hopkins syndrome (PTHS). Also called: ENCEPHALOPATHY, SEVERE EPILEPTIC, WITH AUTONOMIC DYSFUNCTION; MENTAL RETARDATION, SYNDROMAL, WITH INTERMITTENT HYPERVENTILATION. Identifiers: Orphanet 2896, MedGen C1970431, MONDO:0012589, OMIM 610954.

Submission:

Labcorp Genetics (formerly Invitae), Labcorp
Classification: Uncertain significance for Pitt-Hopkins syndrome. Last evaluated: 2019-12-13. Review status: criteria provided, single submitter. Criteria: Invitae Variant Classification Sherloc (09022015). Collection method: clinical testing. Allele origin: germline.
Comment: In summary, the available evidence is currently insufficient to determine the role of this variant in disease. Therefore, it has been classified as a Variant of Uncertain Significance. Algorithms developed to predict the effect of missense changes on protein structure and function (SIFT, PolyPhen-2, Align-GVGD) all suggest that this variant is likely to be tolerated, but these predictions have not been confirmed by published functional studies and their clinical significance is uncertain. This variant has not been reported in the literature in individuals with TCF4-related conditions. This variant is not present in population databases (ExAC no frequency). This sequence change replaces histidine with arginine at codon 290 of the TCF4 protein (p.His290Arg). The histidine residue is moderately conserved and there is a small physicochemical difference between histidine and arginine.

NM_001083962.2(TCF4):c.869A>G (p.His290Arg)

Genes: TCF4 (transcription factor 4; minus strand), LOC126862757 (CDK7 strongly-dependent group 2 enhancer GRCh37_chr18:52936433-52937632; plus strand). Cytogenetic location: 18q21.2.
Variant type: single nucleotide variant.
Coding change: c.869A>G on transcript NM_001083962.2 (MANE Select); coding-DNA position 869, A replaced by G.
Protein change: p.His290Arg; replaces histidine 290 with arginine.
Molecular consequence: missense variant.
Genome position (GRCh38, 1-based): chr18:55,269,884, T>C on the plus strand (A>G on the coding strand, the complement: TCF4 is on the minus strand). VCF-style: chr18-55269884-T-C. GRCh37 (hg19) VCF-style: chr18-52937115-T-C.
Other names: c.1175A>G, p.His392Arg (NM_001243226.3); c.797A>G, p.His266Arg (NM_001243227.2, NM_001306207.1, NM_001369586.1 and 9 more transcripts); c.887A>G, p.His296Arg (NM_001243228.2); c.863A>G, p.His288Arg (NM_001243230.2); c.743A>G, p.His248Arg (NM_001243231.2, NM_001348211.2); c.656A>G, p.His219Arg (NM_001243232.1, NM_001306208.1); c.479A>G, p.His160Arg (NM_001243233.2, NM_001330605.3, NM_001348212.2 and 1 more transcripts); c.389A>G, p.His130Arg (NM_001243234.2, NM_001243235.2, NM_001243236.2 and 2 more transcripts); and 4 more; short protein forms H130R, H160R, H392R, H74R, H248R, H266R, H288R, H265R.
Identifiers: ClinVar variation 855335 (VCV000855335.10), dbSNP rs2059981842, ClinGen allele CA402701198.
Genomic context (GRCh38, chr18:55,269,884, plus strand): 5'-GACTCACCCATTATACTGTCTGTCCCGTTGGCAGGAGGCGTACAGGAAGAGGTGCTGTAA[T>C]GGTTTGTACCACTACGATGGAAAGTGGACATCGGAGGAAGACTGGAATTGATGTCTGCTG-3'
Protein context (NP_001077431.1, residues 280-300): MSTFHRSGTN[His290Arg]YSTSSCTPPA